The following is an entry in ClinVar:

ClinVar aggregate classification (germline): Pathogenic (1 of 4 stars; one submission).

Conditions:
Aicardi-Goutieres syndrome 4. Identifiers: Orphanet 51, MedGen C1835912, MONDO:0012472, OMIM 610333.

gnomAD v4.1: 1 of 1,614,160 alleles (0.000062%); highest among the groups gnomAD compares: Admixed American, 0.0017%; no homozygotes.

Submission:

Labcorp Genetics (formerly Invitae), Labcorp
Classification: Pathogenic for Aicardi-Goutieres syndrome 4. Last evaluated: 2024-02-07. Review status: criteria provided, single submitter. Criteria: Invitae Variant Classification Sherloc (09022015). Collection method: clinical testing. Allele origin: germline.
Comment: This sequence change creates a premature translational stop signal (p.Tyr149*) in the RNASEH2A gene. It is expected to result in an absent or disrupted protein product. Loss-of-function variants in RNASEH2A are known to be pathogenic (PMID: 21454563, 25274781). This variant is present in population databases (no rsID available, gnomAD 0.003%). This variant has not been reported in the literature in individuals affected with RNASEH2A-related conditions. For these reasons, this variant has been classified as Pathogenic.

Literature cited by the submitters: PubMed 21454563; PubMed 25274781.

NM_006397.3(RNASEH2A):c.447C>G (p.Tyr149Ter)

Gene: RNASEH2A (ribonuclease H2 subunit A; plus strand). Cytogenetic location: 19p13.13.
Variant type: single nucleotide variant.
Coding change: c.447C>G on transcript NM_006397.3 (MANE Select); coding-DNA position 447, C replaced by G.
Protein change: p.Tyr149Ter; replaces tyrosine 149 with a stop codon.
Molecular consequence: nonsense.
Genome position (GRCh38, 1-based): chr19:12,810,106, C>G. VCF-style: chr19-12810106-C-G. GRCh37 (hg19) VCF-style: chr19-12920920-C-G.
Other names: short protein forms Y149*.
Identifiers: ClinVar variation 3669468 (VCV003669468.2).
Genomic context (GRCh38, chr19:12,810,106, plus strand): 5'-TAATATGTGTCTGTTGCTGTGGCAGGTATTCGTGGACACCGTAGGGATGCCAGAGACATA[C>G]CAGGCGCGGCTGCAGCAAAGTTTTCCCGGGATTGAGGTGACGGTCAAGGCCAAAGCAGAT-3'